The following is an entry in ClinVar:

ClinVar aggregate classification (germline): Conflicting classifications of pathogenicity; other. Review status: criteria provided, conflicting classifications (1 of 4 stars). 23 submissions from 21 submitters: Pathogenic (2); Likely pathogenic (8); Uncertain significance (9). 3 of the submissions do not count toward it. Last evaluated 2026-09-12.

Conditions:
UGT1A1-related disorder. Also called: UGT1A1-related disorders; UGT1A1-related condition.
Crigler-Najjar syndrome type 1. Also called: HYPERBILIRUBINEMIA, CRIGLER-NAJJAR TYPE I. Identifiers: Orphanet 79234, MedGen C0010324, MONDO:0021020, OMIM 218800.
Lucey-Driscoll syndrome (HBLRTFN). Also called: Transient familial neonatal hyperbilirubinemia. Identifiers: Orphanet 2312, MedGen C0270210, MONDO:0009383, OMIM 237900.
Crigler-Najjar syndrome, type II. Also called: Crigler Najjar syndrome, type 2; Mutation in the UDP-glucuronosyl-transferase gene; HYPERBILIRUBINEMIA, CRIGLER-NAJJAR TYPE II. Identifiers: Orphanet 205, Orphanet 79235, MedGen C2931132, MONDO:0011725, OMIM 606785.
Gilbert syndrome. Also called: Gilbert Disease; Gilbert's syndrome; HYPERBILIRUBINEMIA, GILBERT TYPE; HYPERBILIRUBINEMIA I; HYPERBILIRUBINEMIA, ARIAS TYPE. Identifiers: MedGen C0017551, MONDO:0007745, OMIM 143500.
Inborn genetic diseases. Identifiers: MedGen C0950123, MeSH D030342.
Crigler-Najjar syndrome. Identifiers: Orphanet 205, MedGen C5551003, MONDO:0009044.
Hyperbilirubinemia. Identifiers: MedGen C0311468, MONDO:0024288, HP:0002904.

Allele frequency attached by ClinVar (database versions not stated): 1000 Genomes Project 0.00020; 1000 Genomes Project 30x 0.00031; TOPMed 0.00031; gnomAD 0.00034 and 0.00035; gnomAD exomes 0.00049 and 0.00059; ExAC 0.00054; ESP Exome Variant Server 0.00054.
gnomAD v4.1: 783 of 1,614,200 alleles (0.049%); highest among the groups gnomAD compares: Middle Eastern, 0.35%; 4 homozygotes.

Submissions 1 to 8 of 23:

PreventionGenetics, part of Exact Sciences
Classification: Uncertain significance for UGT1A1-related condition. Last evaluated: 2026-09-12. Review status: criteria provided, single submitter. Criteria: ACMG Guidelines, 2015. Collection method: clinical testing. Allele origin: germline.
Comment: The UGT1A1 c.674T>G variant is predicted to result in the amino acid substitution p.Val225Gly. This variant has been reported in patients affected by Crigler-Najjar Syndrome or Gilbert Syndrome (Iolascon et al. 2000. PubMed ID: 11182932, reported as V224G; Rodrigues et al. 2012. PubMed ID: 22325916; Maruo et al. 2015. PubMed ID: 26697581; Tran et al. 2024. PubMed ID: 39021718; Gupta et al. 2015. PubMed ID: 26716871). In vitro enzymatic activity analysis indicated that the relative glucuronidation activity of the variant protein towards bilirubin was reduced to ~60% of that of wild type (Maruo et al. 2015. PubMed ID: 26697581). This variant is reported in 0.26% of alleles in individuals of South Asian descent in gnomAD, including one homozygous observation. Taken together, although we suspect that c.674T>G (p.Val225Gly) could be pathogenic, the clinical significance of this variant is classified as uncertain at this time.

3billion
Classification: Likely pathogenic for Gilbert syndrome. Last evaluated: 2025-11-03. Review status: criteria provided, single submitter. Criteria: ACMG Guidelines, 2015. Collection method: clinical testing. Allele origin: germline. Affected: yes.
Comment: The variant is observed at an extremely low frequency in the gnomAD v4.1.0 dataset (total allele frequency: 0.049%). Predicted Consequence/Location: Missense variant The same nucleotide change resulting in the same amino acid change has been previously reported as pathogenic/likely pathogenic with strong evidence (ClinVar ID: VCV000160239 /PMID: 11182932 /3billion dataset). Therefore, this variant is classified as Likely pathogenic according to the recommendation of ACMG/AMP guideline.

Labcorp Genetics (formerly Invitae), Labcorp
Classification: Pathogenic. Last evaluated: 2025-10-01. Review status: criteria provided, single submitter. Criteria: Invitae Variant Classification Sherloc (09022015). Collection method: clinical testing. Allele origin: germline.
Comment: This sequence change replaces valine, which is neutral and non-polar, with glycine, which is neutral and non-polar, at codon 225 of the UGT1A1 protein (p.Val225Gly). This variant is present in population databases (rs35003977, gnomAD 0.3%), and has an allele count higher than expected for a pathogenic variant. This missense change has been observed in individual(s) with hyperbilirubinemia (PMID: 11182932, 15712364, 26697581). In at least one individual the data is consistent with being in trans (on the opposite chromosome) from a pathogenic variant. ClinVar contains an entry for this variant (Variation ID: 160239). Invitae Evidence Modeling of protein sequence and biophysical properties (such as structural, functional, and spatial information, amino acid conservation, physicochemical variation, residue mobility, and thermodynamic stability) indicates that this missense variant is not expected to disrupt UGT1A1 protein function with a negative predictive value of 80%. Experimental studies have shown that this missense change affects UGT1A1 function (PMID: 26697581). For these reasons, this variant has been classified as Pathogenic.

CeGaT Center for Human Genetics Tuebingen
Classification: Pathogenic. Last evaluated: 2025-08-01. Review status: criteria provided, single submitter. Criteria: CeGaT Center For Human Genetics Tuebingen Variant Classification Criteria Version 2. Collection method: clinical testing. Allele origin: germline. Affected: yes. Observed: 1 variant allele.
Comment: UGT1A1: PM3:Very Strong, PM2, PS3:Supporting

Ambry Genetics
Classification: Likely pathogenic for Inborn genetic diseases. Last evaluated: 2025-04-22. Review status: criteria provided, single submitter. Criteria: Ambry Variant Classification Scheme 2023. Collection method: clinical testing. Allele origin: germline.
Comment: The c.674T>G (p.V225G) alteration is located in exon 1 (coding exon 1) of the UGT1A1 gene. This alteration results from a T to G substitution at nucleotide position 674, causing the valine (V) at amino acid position 225 to be replaced by a glycine (G). Based on data from gnomAD, the G allele has an overall frequency of 0.054% (153/282862) total alleles studied. The highest observed frequency was 0.265% (81/30616) of South Asian alleles. This variant has been detected in the compound heterozygous state with other UGT1A1 variants in multiple individuals diagnosed with Crigler-Najjar syndrome (Iolascon, 2000; Servedio, 2005; Maruo, 2015). This amino acid position is not well conserved in available vertebrate species. Functional studies showed residual enzyme activity of the variant protein was 61% of wild type (Maruo, 2015). This alteration is predicted to be tolerated by in silico analysis. Based on the available evidence, this alteration is classified as likely pathogenic.

ARUP Laboratories, Molecular Genetics and Genomics, ARUP Laboratories
Classification: Uncertain significance. Last evaluated: 2025-03-26. Review status: criteria provided, single submitter. Criteria: ARUP Molecular Germline Variant Investigation Process 2024. Collection method: clinical testing. Allele origin: germline.
Comment: The UGT1A1 c.674T>G; p.Val225Gly variant (rs35003977, ClinVar ID: 160239), is reported in the literature in individuals with Crigler-Najjar syndrome or Gilbert syndrome in both cis and trans configuration to additional damaging UGT1A1 variants (Iolascon 2000, Maruo 2015, Perretti 2007, Rodrigues 2012, Servedio 2005). This variant is found in the general population with an overall allele frequency of 0.05% (153/282862 alleles, including 1 homozygote) in the Genome Aggregation Database (v2.1.1). Computational analyses are uncertain whether this variant is neutral or deleterious (REVEL: 0.291). Functional studies show that the variant protein enzymatic activity is moderately reduced compared to that of the wildtype UGT1A1 protein; however, it's exact contribution to hyperbilirubinemia is unclear because of the additional damaging UGT1A1 variants detected in affected individuals (Maruo 2015). Based on available information, the clinical significance of this variant is uncertain at this time. References: Iolascon A et al. Crigler-Najjar syndrome type II resulting from three different mutations in the bilirubin uridine 5'-diphosphate-glucuronosyltransferase (UGT1A1) gene. J Med Genet. 2000 Sep;37(9):712-3. PMID: 11182932. Maruo Y et al. Two Different UGT1A1 Mutations causing Crigler-Najjar Syndrome types I and II in an Iranian Family. J Gastrointestin Liver Dis. 2015 Dec;24(4):523-6. PMID: 26697581. Perretti A et al. Clinical utility of electrophysiological evaluation in Crigler-Najjar syndrome. Neuropediatrics. 2007 Aug;38(4):173-8. PMID: 18058623. Rodrigues C et al. Impact of UGT1A1 gene variants on total bilirubin levels in Gilbert syndrome patients and in healthy subjects. Blood Cells Mol Dis. 2012 Mar 15;48(3):166-72. PMID: 22325916. Servedio V et al. Spectrum of UGT1A1 mutations in Crigler-Najjar (CN) syndrome patients: identification of twelve novel alleles and genotype-phenotype correlation. Hum Mutat. 2005 Mar;25(3):325. PMID: 15712364.

Center for Genomic Medicine, Rigshospitalet, Copenhagen University Hospital
Classification: Likely pathogenic. Last evaluated: 2025-03-04. Review status: criteria provided, single submitter. Criteria: ACMG Guidelines, 2015. Collection method: clinical testing. Allele origin: germline.

First Genomix Gene Laboratory, Genetic Diagnostics Department
Classification: Likely pathogenic for Gilbert syndrome; Crigler-Najjar syndrome type 1; Crigler-Najjar syndrome, type II; Lucey-Driscoll syndrome. Last evaluated: 2025-01-06. Review status: criteria provided, single submitter. Criteria: ACMG Guidelines, 2015. Collection method: clinical testing. Allele origin: germline. Inheritance: Autosomal recessive inheritance. Affected: no. Observed: 1 variant allele.

NM_000463.3(UGT1A1):c.674T>G (p.Val225Gly)

Genes: UGT1A (UDP glucuronosyltransferase family 1 member A complex locus; plus strand), UGT1A1 (UDP glucuronosyltransferase family 1 member A1; plus strand), UGT1A10 (UDP glucuronosyltransferase family 1 member A10; plus strand), UGT1A3 (UDP glucuronosyltransferase family 1 member A3; plus strand), UGT1A6 (UDP glucuronosyltransferase family 1 member A6; plus strand) and 5 more. Cytogenetic location: 2q37.1.
Variant type: single nucleotide variant.
Coding change: c.674T>G on transcript NM_000463.3 (MANE Select); coding-DNA position 674, T replaced by G.
Protein change: p.Val225Gly; replaces valine 225 with glycine.
Molecular consequence: missense variant. On other transcripts: intron variant (9).
Genome position (GRCh38, 1-based): chr2:233,760,961, T>G. VCF-style: chr2-233760961-T-G. GRCh37 (hg19) VCF-style: chr2-234669607-T-G.
Other names: c.856-6073T>G (NM_019076.5, NM_019075.4, NM_021027.3 and 1 more transcripts); c.61-6073T>G (NM_205862.3); c.862-6073T>G (NM_001072.4); c.868-6073T>G (NM_019078.2, NM_007120.3, NM_019093.4); short protein forms V225G.
Identifiers: ClinVar variation 160239 (VCV000160239.61), dbSNP rs35003977, ClinGen allele CA173883.